The following is an entry in ClinVar:

ClinVar aggregate classification (germline): Uncertain significance (1 of 4 stars; one submission).

Conditions:
Familial sleep-related hypermotor epilepsy. Also called: Autosomal Dominant Sleep-Related Hypermotor (Hyperkinetic) Epilepsy. Identifiers: Orphanet 98784, MedGen C3696898, MONDO:0000030.

Submission:

Labcorp Genetics (formerly Invitae), Labcorp
Classification: Uncertain significance. Last evaluated: 2023-03-22. Review status: criteria provided, single submitter. Criteria: Invitae Variant Classification Sherloc (09022015). Collection method: clinical testing. Allele origin: germline.
Comment: This sequence change replaces histidine, which is basic and polar, with arginine, which is basic and polar, at codon 516 of the CHRNA4 protein (p.His516Arg). This variant is not present in population databases (gnomAD no frequency). This variant has not been reported in the literature in individuals affected with CHRNA4-related conditions. Advanced modeling of protein sequence and biophysical properties (such as structural, functional, and spatial information, amino acid conservation, physicochemical variation, residue mobility, and thermodynamic stability) performed at Invitae indicates that this missense variant is not expected to disrupt CHRNA4 protein function. In summary, the available evidence is currently insufficient to determine the role of this variant in disease. Therefore, it has been classified as a Variant of Uncertain Significance.

NM_000744.7(CHRNA4):c.1547A>G (p.His516Arg)

Gene: CHRNA4 (cholinergic receptor nicotinic alpha 4 subunit; minus strand). Cytogenetic location: 20q13.33.
Variant type: single nucleotide variant.
Coding change: c.1547A>G on transcript NM_000744.7 (MANE Select); coding-DNA position 1547, A replaced by G.
Protein change: p.His516Arg; replaces histidine 516 with arginine.
Molecular consequence: missense variant. On other transcripts: non-coding transcript variant (1).
Genome position (GRCh38, 1-based): chr20:63,349,864, T>C on the plus strand (A>G on the coding strand, the complement: CHRNA4 is on the minus strand). VCF-style: chr20-63349864-T-C. GRCh37 (hg19) VCF-style: chr20-61981216-T-C.
Other names: c.1019A>G, p.His340Arg (NM_001256573.2); short protein forms H340R, H516R.
Identifiers: ClinVar variation 2848616 (VCV002848616.3), dbSNP rs2068556158, ClinGen allele CA409633018.